The following is an entry in ClinVar:

NM_001848.3(COL6A1):c.1575+2dup

Gene: COL6A1 (collagen type VI alpha 1 chain; plus strand). Cytogenetic location: 21q22.3.
Variant type: Duplication.
Coding change: c.1575+2dup on transcript NM_001848.3 (MANE Select); the canonical splice donor site of the intron after coding-DNA position 1575, one base duplicated (T; older notation c.1575+2dupT).
Molecular consequence: splice donor variant.
Genome position (GRCh38, 1-based): chr21:45,998,173, T duplicated. VCF-style (leftmost placement, unchanged base first): chr21-45998172-G-GT. GRCh37 (hg19) VCF-style: chr21-47418086-G-GT.
Identifiers: ClinVar variation 958825 (VCV000958825.10), dbSNP rs758434455, ClinGen allele CA1139666910.
Genomic context (GRCh38, chr21:45,998,172, plus strand): 5'-CTCCCCCAGGGAGAAGACGGCCCCGCTGGAAATGGCACCGAGGGCTTCCCCGGCTTCCCC[G>GT]TAAGTGTCCGGAGGCTGAGCCCACAGGAACATGCCCAAGCTGCCTGCGGCGCCCTCTTTA-3'

ClinVar aggregate classification (germline): Uncertain significance (1 of 4 stars; one submission).

Conditions:
Bethlem myopathy 1A. Also called: Bethlem Muscular Dystrophy; Bethlem myopathy 1; MYOPATHY, BENIGN CONGENITAL, WITH CONTRACTURES. Identifiers: Orphanet 610, MedGen CN029274, MONDO:0024530, OMIM 158810.

Submission:

Labcorp Genetics (formerly Invitae), Labcorp
Classification: Uncertain significance for Bethlem myopathy 1A. Last evaluated: 2019-11-12. Review status: criteria provided, single submitter. Criteria: Invitae Variant Classification Sherloc (09022015). Collection method: clinical testing. Allele origin: germline.
Comment: This sequence change falls in intron 23 of the COL6A1 gene. It does not directly change the encoded amino acid sequence of the COL6A1 protein, but it affects a nucleotide within the consensus splice site of the intron. This variant has not been reported in the literature in individuals with COL6A1-related conditions. This variant is not present in population databases (ExAC no frequency). Nucleotide substitutions within the consensus splice site are a relatively common cause of aberrant splicing (PMID: 17576681, 9536098). Algorithms developed to predict the effect of sequence changes on RNA splicing suggest that this variant may disrupt the consensus splice site, but this prediction has not been confirmed by published transcriptional studies. In summary, the available evidence is currently insufficient to determine the role of this variant in disease. Therefore, it has been classified as a Variant of Uncertain Significance.

Literature cited by the submitters: PubMed 17576681; PubMed 9536098.